The following is an entry in ClinVar:

ClinVar aggregate classification (germline): Likely benign (1 of 4 stars; one submission).

Conditions:
NXNL1-related disorder. Also called: NXNL1-related condition.

gnomAD v4.1: 14 of 1,595,390 alleles (0.00088%); highest among the groups gnomAD compares: Admixed American, 0.013%; no homozygotes.

Submission:

PreventionGenetics, part of Exact Sciences
Classification: Likely benign for NXNL1-related condition. Last evaluated: 2024-11-19. Review status: criteria provided, single submitter. Criteria: ACMG Guidelines, 2015. Collection method: clinical testing. Allele origin: germline.
Comment: This variant is classified as likely benign based on ACMG/AMP sequence variant interpretation guidelines (Richards et al. 2015 PMID: 25741868, with internal and published modifications).

NM_138454.2(NXNL1):c.375G>A (p.Val125=)

Gene: NXNL1 (nucleoredoxin like 1; minus strand). Cytogenetic location: 19p13.11.
Variant type: single nucleotide variant.
Coding change: c.375G>A on transcript NM_138454.2 (MANE Select); coding-DNA position 375, G replaced by A.
Protein change: p.Val125=; no amino-acid change (valine 125 retained).
Molecular consequence: synonymous variant.
Genome position (GRCh38, 1-based): chr19:17,455,911, C>T on the plus strand (G>A on the coding strand, the complement: NXNL1 is on the minus strand). VCF-style: chr19-17455911-C-T. GRCh37 (hg19) VCF-style: chr19-17566720-C-T.
Identifiers: ClinVar variation 4978785 (VCV004978785.1).